The following is an entry in ClinVar:

NM_000428.3(LTBP2):c.2880C>T (p.Tyr960=)

Gene: LTBP2 (latent transforming growth factor beta binding protein 2; minus strand). Cytogenetic location: 14q24.3.
Variant type: single nucleotide variant.
Coding change: c.2880C>T on transcript NM_000428.3 (MANE Select); coding-DNA position 2880, C replaced by T.
Protein change: p.Tyr960=; no amino-acid change (tyrosine 960 retained).
Molecular consequence: synonymous variant.
Genome position (GRCh38, 1-based): chr14:74,516,850, G>A on the plus strand (C>T on the coding strand, the complement: LTBP2 is on the minus strand). VCF-style: chr14-74516850-G-A. GRCh37 (hg19) VCF-style: chr14-74983553-G-A.
Identifiers: ClinVar variation 709159 (VCV000709159.42), dbSNP rs145851939, ClinGen allele CA7269368.

ClinVar aggregate classification (germline): Conflicting classifications of pathogenicity. Review status: criteria provided, conflicting classifications (1 of 4 stars). 6 submissions from 5 submitters: Uncertain significance (2); Benign (1); Likely benign (3). Last evaluated 2026-01-26.

Conditions:
Weill-Marchesani syndrome. Also called: WM Syndrome; Mesodermal dysmorphodystrophy congenital. Identifiers: Orphanet 3449, MedGen C0265313, MONDO:0018096.
Glaucoma 3, primary congenital, D. Identifiers: Orphanet 98976, MedGen C2751316, MONDO:0013122, OMIM 613086.

Allele frequency attached by ClinVar (database versions not stated): 1000 Genomes Project 30x 0.00016; 1000 Genomes Project 0.00020; ESP Exome Variant Server 0.00088; gnomAD exomes 0.00103 and 0.00083; gnomAD 0.00133 and 0.00139; ExAC 0.00052; TOPMed 0.00066.
gnomAD v4.1: 1,629 of 1,551,900 alleles (0.1%); highest among the groups gnomAD compares: Non-Finnish European, 0.12%; 5 homozygotes.

Submissions (6):

Labcorp Genetics (formerly Invitae), Labcorp
Classification: Benign. Last evaluated: 2026-01-26. Review status: criteria provided, single submitter. Criteria: Invitae Variant Classification Sherloc (09022015). Collection method: clinical testing. Allele origin: germline.

CeGaT Center for Human Genetics Tuebingen
Classification: Likely benign. Last evaluated: 2025-12-01. Review status: criteria provided, single submitter. Criteria: CeGaT Center For Human Genetics Tuebingen Variant Classification Criteria Version 2. Collection method: clinical testing. Allele origin: germline. Affected: yes. Observed: 3 variant alleles.
Comment: LTBP2: BP4, BP7

Laboratory of Genetics, Children's Clinical University Hospital Latvia
Classification: Likely benign. Last evaluated: 2025-02-16. Review status: criteria provided, single submitter. Criteria: ACMG Guidelines, 2015. Collection method: clinical testing. Allele origin: germline. Affected: yes.

Blueprint Genetics
Classification: Likely benign. Last evaluated: 2024-11-26. Review status: criteria provided, single submitter. Criteria: ACMG Guidelines, 2015. Collection method: clinical testing. Allele origin: germline.

Illumina Laboratory Services, Illumina
Classification: Uncertain significance for Weill-Marchesani syndrome. Last evaluated: 2018-03-16. Review status: criteria provided, single submitter. Criteria: ICSL Variant Classification Criteria 13 December 2019. Collection method: clinical testing. Allele origin: germline.

Illumina Laboratory Services, Illumina
Classification: Uncertain significance for Glaucoma 3, primary congenital, D. Last evaluated: 2018-03-16. Review status: criteria provided, single submitter. Criteria: ICSL Variant Classification Criteria 13 December 2019. Collection method: clinical testing. Allele origin: germline.